The following is an entry in ClinVar:

NM_139119.3(YY1AP1):c.-151-23C>T

Genes: DAP3 (death associated protein 3; plus strand), YY1AP1 (YY1 associated protein 1; minus strand). Cytogenetic location: 1q22.
Variant type: single nucleotide variant.
Coding change: c.-151-23C>T on transcript NM_139119.3 (MANE Select); 23 bases into the intron before 151 bases upstream of the start codon, C replaced by T.
Molecular consequence: intron variant. On other transcripts: missense variant (2).
Genome position (GRCh38, 1-based): chr1:155,688,224, G>A on the plus strand (C>T on the coding strand, the complement: YY1AP1 is on the minus strand). VCF-style: chr1-155688224-G-A. GRCh37 (hg19) VCF-style: chr1-155658015-G-A.
Other names: c.241C>T, p.Leu81Phe (NM_001198903.1, NM_001198904.1); c.-21+706C>T (NM_001198901.2); c.-375+706C>T (NM_139121.3); c.48-23C>T (NM_139118.3, NM_001198906.2); c.-21+435C>T (NM_001198902.2); c.-143-23C>T (NM_001198900.2); c.-151-23C>T (NM_001198905.2); c.-265-23C>T (NM_018253.4); short protein forms L81F.
Identifiers: ClinVar variation 720286 (VCV000720286.7), dbSNP rs72999042, ClinGen allele CA1149016.
Genomic context (GRCh38, chr1:155,688,224, plus strand): 5'-CCTCCCGCTTGTCAGGAGGCGGCCAGCGGGTAAGCCGACTGGCGGAAATGCGAGAGAGGA[G>A]AAGGGAAAGGTGGAGGGCTAAAGGGGCAAACTGAGAGGAGGCGGATCCCGCAACCGACAC-3'

ClinVar aggregate classification (germline): Conflicting classifications of pathogenicity. Review status: criteria provided, conflicting classifications (1 of 4 stars). 3 submissions from 3 submitters: Uncertain significance (1); Likely benign (1). 1 of the submissions does not count toward it. Last evaluated 2024-11-20.

Conditions:
YY1AP1-related disorder. Also called: YY1AP1-related condition.
Inborn genetic diseases. Identifiers: MedGen C0950123, MeSH D030342.

Allele frequency attached by ClinVar (database versions not stated): ExAC 0.00065; 1000 Genomes Project 30x 0.00203; ESP Exome Variant Server 0.00170; 1000 Genomes Project 0.00140; gnomAD exomes 0.00017 and 0.00041; gnomAD 0.00161 and 0.00178; TOPMed 0.00197.
gnomAD v4.1: 496 of 1,613,416 alleles (0.031%); highest among the groups gnomAD compares: African/African-American, 0.61%; 1 homozygote.

Submissions (3):

Ambry Genetics
Classification: Uncertain significance for Inborn genetic diseases. Last evaluated: 2024-11-20. Review status: criteria provided, single submitter. Criteria: Ambry Variant Classification Scheme 2023. Collection method: clinical testing. Allele origin: germline.

Labcorp Genetics (formerly Invitae), Labcorp
Classification: Likely benign. Last evaluated: 2019-12-31. Review status: criteria provided, single submitter. Criteria: Invitae Variant Classification Sherloc (09022015). Collection method: clinical testing. Allele origin: germline.

PreventionGenetics, part of Exact Sciences
Classification: Likely benign for YY1AP1-related condition. Last evaluated: 2019-10-28. Review status: no assertion criteria provided. Collection method: clinical testing. Allele origin: germline. Not counted in ClinVar's aggregate classification.
Comment: This variant is classified as likely benign based on ACMG/AMP sequence variant interpretation guidelines (Richards et al. 2015 PMID: 25741868, with internal and published modifications).